The following is an entry in ClinVar:

ClinVar aggregate classification (germline): Uncertain significance. Review status: criteria provided, multiple submitters, no conflicts (2 of 4 stars). 3 submissions from 3 submitters: Uncertain significance (3). Last evaluated 2022-04-15.

Conditions:
Inborn genetic diseases. Identifiers: MedGen C0950123, MeSH D030342.
Hereditary spastic paraplegia 31. Also called: SPASTIC PARAPLEGIA 31, AUTOSOMAL DOMINANT. Identifiers: Orphanet 101011, MedGen C1853247, MONDO:0012453, OMIM 610250.

Allele frequency attached by ClinVar (database versions not stated): gnomAD exomes below 0.00001; TOPMed below 0.00001; gnomAD 0.00001.
gnomAD v4.1: 7 of 1,611,492 alleles (0.00043%); highest among the groups gnomAD compares: Non-Finnish European, 0.00051%; no homozygotes.

Submissions (3):

Labcorp Genetics (formerly Invitae), Labcorp
Classification: Uncertain significance for Hereditary spastic paraplegia 31. Last evaluated: 2022-04-15. Review status: criteria provided, single submitter. Criteria: Invitae Variant Classification Sherloc (09022015). Collection method: clinical testing. Allele origin: germline.
Comment: In summary, the available evidence is currently insufficient to determine the role of this variant in disease. Therefore, it has been classified as a Variant of Uncertain Significance. Algorithms developed to predict the effect of missense changes on protein structure and function output the following: SIFT: "Tolerated"; PolyPhen-2: "Probably Damaging"; Align-GVGD: "Class C0". The alanine amino acid residue is found in multiple mammalian species, which suggests that this missense change does not adversely affect protein function. ClinVar contains an entry for this variant (Variation ID: 586652). This variant has not been reported in the literature in individuals affected with REEP1-related conditions. This variant is present in population databases (no rsID available, gnomAD 0.0008%). This sequence change replaces glycine, which is neutral and non-polar, with alanine, which is neutral and non-polar, at codon 174 of the REEP1 protein (p.Gly174Ala).

Ambry Genetics
Classification: Uncertain significance for Inborn genetic diseases. Last evaluated: 2019-12-29. Review status: criteria provided, single submitter. Criteria: Ambry Variant Classification Scheme 2023. Collection method: clinical testing. Allele origin: germline.
Comment: The p.G174A variant (also known as c.521G>C), located in coding exon 6 of the REEP1 gene, results from a G to C substitution at nucleotide position 521. The glycine at codon 174 is replaced by alanine, an amino acid with similar properties. This amino acid position is well conserved in available vertebrate species; however, alanine is the reference amino acid in other vertebrate species. In addition, this alteration is predicted to be tolerated by in silico analysis. Since supporting evidence is limited at this time, the clinical significance of this alteration remains unclear.

Athena Diagnostics
Classification: Uncertain significance. Last evaluated: 2017-10-20. Review status: criteria provided, single submitter. Criteria: Athena Diagnostics Criteria. Collection method: clinical testing. Allele origin: germline.

NM_001371279.1(REEP1):c.521G>C (p.Gly174Ala)

Gene: REEP1 (receptor accessory protein 1; minus strand). Cytogenetic location: 2p11.2.
Variant type: single nucleotide variant.
Coding change: c.521G>C on transcript NM_001371279.1 (MANE Select); coding-DNA position 521, G replaced by C.
Protein change: p.Gly174Ala; replaces glycine 174 with alanine.
Molecular consequence: missense variant. On other transcripts: intron variant (1).
Genome position (GRCh38, 1-based): chr2:86,232,699, C>G on the plus strand (G>C on the coding strand, the complement: REEP1 is on the minus strand). VCF-style: chr2-86232699-C-G. GRCh37 (hg19) VCF-style: chr2-86459822-C-G.
Other names: c.542G>C, p.Gly181Ala (NM_001164730.2); c.440G>C, p.Gly147Ala (NM_001164731.2); c.286G>C, p.Gly96Arg (NM_001164732.2); c.521G>C, p.Gly174Ala (NM_022912.3); c.418-15589G>C (NM_001371280.1); short protein forms G174A, G181A, G147A, G96R.
Identifiers: ClinVar variation 586652 (VCV000586652.7), dbSNP rs1279009965, ClinGen allele CA347547274.
Genomic context (GRCh38, chr2:86,232,699, plus strand): 5'-CTCTCAGAAGCACTCCTGGACATCTTAGGCTGGCCGTGTTTGCCGCTGGCCCGCCCAGAC[C>G]CCGGTGGTGGGGGGCCCGAGGGAGCAGGGGCGCCGTCTCCCCTGATGGTGGTGAGGTCCT-3'
Protein context (NP_001358208.1, residues 164-184): APAPSGPPPP[Gly174Ala]SGRASGKHGQ